The following is an entry in ClinVar:

ClinVar aggregate classification (germline): Uncertain significance (1 of 4 stars; one submission).

Conditions:
Hereditary cancer-predisposing syndrome. Also called: Neoplastic Syndromes, Hereditary; Tumor predisposition; Hereditary neoplastic syndrome; Hereditary Cancer Syndrome. Identifiers: Orphanet 140162, MedGen C0027672, MeSH D009386, MONDO:0015356.

Submissions (2):

Ambry Genetics
Classification: Uncertain significance for Hereditary cancer-predisposing syndrome. Last evaluated: 2024-02-28. Review status: criteria provided, single submitter. Criteria: Ambry Variant Classification Scheme 2023. Collection method: clinical testing. Allele origin: germline.
Comment: The c.2941+1G>A intronic variant results from a G to A substitution one nucleotide after coding exon 12 of the MET gene. This nucleotide position is highly conserved in available vertebrate species. In silico splice site analysis predicts that this alteration will weaken the native splice donor site. Alterations that disrupt the canonical splice site are expected to cause aberrant splicing, resulting in an abnormal protein or a transcript that is subject to nonsense-mediated mRNA decay. However, loss of function of MET has not been established as a mechanism of disease. Based on the available evidence, the clinical significance of this alteration remains unclear.

Dr. Peter K. Rogan Lab, Western University
No classification provided (evidence only). Condition: Thyroid cancer, nonmedullary, 1. Review status: no classification provided. Collection method: in vitro. Allele origin: not applicable. Functional consequence: retained intron. Not counted in ClinVar's aggregate classification.

NM_000245.4(MET):c.2887+1G>A

Gene: MET (MET proto-oncogene, receptor tyrosine kinase; plus strand). Cytogenetic location: 7q31.2.
Variant type: single nucleotide variant.
Coding change: c.2887+1G>A on transcript NM_000245.4 (MANE Select); the canonical splice donor site of the intron after coding-DNA position 2887, G replaced by A.
Molecular consequence: splice donor variant.
Genome position (GRCh38, 1-based): chr7:116,771,655, G>A. VCF-style: chr7-116771655-G-A. GRCh37 (hg19) VCF-style: chr7-116411709-G-A.
Other names: NC_000007.13:g.116411709G>A; c.2941+1G>A (NM_001127500.3); c.1597+1G>A (NM_001324402.2).
Identifiers: ClinVar variation 3232958 (VCV003232958.2), dbSNP rs2116993301, ClinGen allele CA368986837.